The following is an entry in ClinVar:

ClinVar aggregate classification (germline): Pathogenic (1 of 4 stars; one submission).

Conditions:
Neurodevelopmental disorder with hypotonia, stereotypic hand movements, and impaired language. Also called: Intellectual disability, autosomal dominant 20. Identifiers: Orphanet 228384, Orphanet 664410, MedGen C3150700, MONDO:0013266, OMIM 613443.

Submission:

Labcorp Genetics (formerly Invitae), Labcorp
Classification: Pathogenic for Neurodevelopmental disorder with hypotonia, stereotypic hand movements, and impaired language. Last evaluated: 2022-06-15. Review status: criteria provided, single submitter. Criteria: Invitae Variant Classification Sherloc (09022015). Collection method: clinical testing. Allele origin: germline.
Comment: This variant has not been reported in the literature in individuals affected with MEF2C-related conditions. For these reasons, this variant has been classified as Pathogenic. This variant is not present in population databases (gnomAD no frequency). This sequence change creates a premature translational stop signal (p.Ser334Trpfs*3) in the MEF2C gene. It is expected to result in an absent or disrupted protein product. Loss-of-function variants in MEF2C are known to be pathogenic (PMID: 20513142).

Literature cited by the submitters: PubMed 20513142.

NM_002397.5(MEF2C):c.999_1000del (p.Ser334fs)

Gene: MEF2C (myocyte enhancer factor 2C; minus strand). Cytogenetic location: 5q14.3.
Variant type: Deletion.
Coding change: c.999_1000del on transcript NM_002397.5 (MANE Select); coding-DNA positions 999 to 1000, 2 bases deleted (GT; older notation c.999_1000delGT).
Protein change: p.Ser334fs; shifts the reading frame from serine 334.
Molecular consequence: frameshift variant.
Genome position (GRCh38, 1-based): chr5:88,728,593-88,728,594, AC deleted on the plus strand (GT on the coding strand, the reverse complement: MEF2C is on the minus strand); deleting any 2 consecutive bases within chr5:88,728,593-88,728,595 gives the same sequence; the c. name uses the placement nearest the transcript's 3' end. VCF-style (leftmost placement, unchanged base first): chr5-88728592-GAC-G. GRCh37 (hg19) VCF-style: chr5-88024409-GAC-G.
Other names: c.969_970del, p.Ser324fs (NM_001131005.2, NM_001364343.2, NM_001364352.2); c.1029_1030del, p.Ser344fs (NM_001193347.1, NM_001364338.2); c.831_832del, p.Ser278fs (NM_001193348.1); c.855_856del, p.Ser286fs (NM_001193349.3, NM_001364332.2, NM_001364355.2 and 2 more transcripts); c.999_1000del, p.Ser334fs (NM_001193350.2, NM_001363581.2, NM_001364329.2 and 9 more transcripts); c.975_976del, p.Ser326fs (NM_001308002.3, NM_001364333.2, NM_001364339.2 and 6 more transcripts); c.621_622del, p.Ser208fs (NM_001364356.2, NM_001364353.2); c.549_550del, p.Ser184fs (NM_001364357.2); short protein forms S344fs, S184fs, S208fs, S278fs, S324fs, S334fs, S286fs, S326fs.
Identifiers: ClinVar variation 2007342 (VCV002007342.4), dbSNP rs2546948756, ClinGen allele CA2580073703.